The following is an entry in ClinVar:

NM_000329.3(RPE65):c.912C>A (p.Tyr304Ter)

Gene: RPE65 (retinoid isomerohydrolase RPE65; minus strand). Cytogenetic location: 1p31.3.
Variant type: single nucleotide variant.
Coding change: c.912C>A on transcript NM_000329.3 (MANE Select); coding-DNA position 912, C replaced by A.
Protein change: p.Tyr304Ter; replaces tyrosine 304 with a stop codon.
Molecular consequence: nonsense.
Genome position (GRCh38, 1-based): chr1:68,439,028, G>T on the plus strand (C>A on the coding strand, the complement: RPE65 is on the minus strand). VCF-style: chr1-68439028-G-T. GRCh37 (hg19) VCF-style: chr1-68904711-G-T.
Other names: NM_000329.3:c.912C>A; c.804C>A, p.Tyr268Ter (NM_001406853.1); c.636C>A, p.Tyr212Ter (NM_001406856.1, NM_001406857.1); c.912C>A, p.Tyr304Ter (NM_001406859.1); short protein forms Y212*, Y268*, Y304*.
Identifiers: ClinVar variation 3385359 (VCV003385359.2).

ClinVar aggregate classification (germline): Pathogenic. Review status: reviewed by expert panel (3 of 4 stars). 2 submissions from 2 submitters: Pathogenic (1). 1 of the submissions does not count toward it. Last evaluated 2024-12-12.

Conditions:
RPE65-related recessive retinopathy. Also called: Recessive RPE65 retinopathy. Identifiers: MedGen CN305526, MONDO:0100368.

Submissions (2):

ClinGen Leber Congenital Amaurosis/early Onset Retinal Dystrophy Variant Curation Expert Panel, ClinGen
Classification: Pathogenic for RPE65-related recessive retinopathy. Last evaluated: 2024-12-12. Review status: reviewed by expert panel. Criteria: ClinGen LCAeoRD ACMG Specifications RPE65 V1.0.0. Collection method: curation. Allele origin: germline. Inheritance: Autosomal recessive inheritance.
Comment: The NM_000329.3(RPE65):c.912C>A (p.Tyr304Ter) variant is a nonsense variant that introduces a premature stop codon into exon 9 of 14, and is predicted to lead to nonsense-mediated decay in a gene in which loss-of-function is an established mechanism of disease (PVS1). This variant is absent from gnomAD v4.1.0 (PM2_Supporting). At least one proband harboring this variant exhibits a phenotype including clinical diagnosis of leber congenital amaurosis (0.5 pt), congenital night blindness (0.5 pt), symptomatic onset between birth and age 5 (1 pt), and previous exome sequencing that did not provide an alternative explanation for visual impairment (2 pt), which together are specific for RPE65-related recessive retinopathy (4 points, PMID: 34830511, 25356976, PP4). In summary, this variant meets the criteria to be classified as pathogenic for RPE65-related recessive retinopathy based on the ACMG/AMP criteria applied, as specified by the ClinGen LCA / eoRD VCEP: PVS1, PM2_Supporting, PP4 (VCEP specifications version 1.0.0; date of approval 09/21/2023).

Myriad Genetics, Inc.
Classification: Pathogenic for RPE65-related recessive retinopathy. Last evaluated: 2024-05-14. Review status: criteria provided, single submitter. Criteria: Myriad Autosomal Dominant, Autosomal Recessive and X-Linked Classification Criteria (2023). Collection method: clinical testing. Allele origin: unknown. Not counted in ClinVar's aggregate classification.
Comment: NM_000329.2(RPE65):c.912C>A(Y304*) is expected to be pathogenic in the context of inherited retinal dystrophy, RPE65-related. This variant is predicted to lead to an abnormal or absent protein product due to the creation of a premature termination codon in RPE65, a gene where loss-of-function variants are known to be pathogenic. Please note: this variant was assessed in the context of healthy population screening.